The following is an entry in ClinVar:

NM_000530.8(MPZ):c.589A>G (p.Met197Val)

Gene: MPZ (myelin protein zero; minus strand). Cytogenetic location: 1q23.3.
Variant type: single nucleotide variant.
Coding change: c.589A>G on transcript NM_000530.8 (MANE Select); coding-DNA position 589, A replaced by G.
Protein change: p.Met197Val; replaces methionine 197 with valine.
Molecular consequence: missense variant.
Genome position (GRCh38, 1-based): chr1:161,306,164, T>C on the plus strand (A>G on the coding strand, the complement: MPZ is on the minus strand). VCF-style: chr1-161306164-T-C. GRCh37 (hg19) VCF-style: chr1-161275954-T-C.
Other names: c.589A>G, p.Met197Val (NM_001315491.2); short protein forms M197V.
Identifiers: ClinVar variation 1416509 (VCV001416509.8), dbSNP rs567817208, ClinGen allele CA31668000.

ClinVar aggregate classification (germline): Uncertain significance (1 of 4 stars; one submission).

Conditions:
Charcot-Marie-Tooth disease, type I (CMT1). Also called: Charcot-Marie-Tooth, Type 1; Charcot-Marie-Tooth disease type 1. Identifiers: Orphanet 65753, MedGen C0751036, MONDO:0019011.

Allele frequency attached by ClinVar (database versions not stated): gnomAD exomes below 0.00001 and 0.00001; gnomAD 0.00001; 1000 Genomes Project 30x 0.00016; 1000 Genomes Project 0.00020.

Submission:

Labcorp Genetics (formerly Invitae), Labcorp
Classification: Uncertain significance for Charcot-Marie-Tooth disease, type I. Last evaluated: 2024-04-08. Review status: criteria provided, single submitter. Criteria: Invitae Variant Classification Sherloc (09022015). Collection method: clinical testing. Allele origin: germline.
Comment: This sequence change replaces methionine, which is neutral and non-polar, with valine, which is neutral and non-polar, at codon 197 of the MPZ protein (p.Met197Val). This variant is present in population databases (rs567817208, gnomAD 0.0009%). This variant has not been reported in the literature in individuals affected with MPZ-related conditions. ClinVar contains an entry for this variant (Variation ID: 1416509). Advanced modeling of protein sequence and biophysical properties (such as structural, functional, and spatial information, amino acid conservation, physicochemical variation, residue mobility, and thermodynamic stability) performed at Invitae indicates that this missense variant is not expected to disrupt MPZ protein function with a negative predictive value of 80%. In summary, the available evidence is currently insufficient to determine the role of this variant in disease. Therefore, it has been classified as a Variant of Uncertain Significance.